The following is an entry in ClinVar:

NM_007254.4(PNKP):c.538C>A (p.Arg180Ser)

Gene: PNKP (polynucleotide kinase 3'-phosphatase; minus strand). Cytogenetic location: 19q13.33.
Variant type: single nucleotide variant.
Coding change: c.538C>A on transcript NM_007254.4 (MANE Select); coding-DNA position 538, C replaced by A.
Protein change: p.Arg180Ser; replaces arginine 180 with serine.
Molecular consequence: missense variant.
Genome position (GRCh38, 1-based): chr19:49,864,364, G>T on the plus strand (C>A on the coding strand, the complement: PNKP is on the minus strand). VCF-style: chr19-49864364-G-T. GRCh37 (hg19) VCF-style: chr19-50367621-G-T.
Other names: p.R180S:CGC>AGC; short protein forms R180S.
Identifiers: ClinVar variation 95483 (VCV000095483.50), dbSNP rs3739185, ClinGen allele CA285669.

ClinVar aggregate classification (germline): Benign/Likely benign. Review status: criteria provided, multiple submitters, no conflicts (2 of 4 stars). 13 submissions from 13 submitters: Benign (7); Likely benign (6). Last evaluated 2026-01-27.

Conditions:
Ataxia - oculomotor apraxia type 4. Identifiers: Orphanet 459033, MedGen C4225397, MONDO:0014557, OMIM 616267.
Microcephaly, seizures, and developmental delay. Identifiers: Orphanet 1934, MedGen C3150667, MONDO:0013254, OMIM 613402.
Charcot-Marie-Tooth disease type 2B2 (CMT2B2). Also called: CHARCOT-MARIE-TOOTH DISEASE, AXONAL, TYPE 2B2; CHARCOT-MARIE-TOOTH DISEASE, NEURONAL, TYPE 2B2; Charcot-Marie-Tooth Neuropathy Type 2B2; CHARCOT-MARIE-TOOTH DISEASE, AXONAL, AUTOSOMAL RECESSIVE, TYPE 2B2. Identifiers: Orphanet 101101, MedGen C1854150, MONDO:0011570, OMIM 605589.
Inborn genetic diseases. Identifiers: MedGen C0950123, MeSH D030342.
Developmental and epileptic encephalopathy, 12 (DEE12). Identifiers: MedGen C3150988, MONDO:0013389, OMIM 613722.

Allele frequency attached by ClinVar (database versions not stated): 1000 Genomes Project 0.00300; ESP Exome Variant Server 0.00431; TOPMed 0.00357; 1000 Genomes Project 30x 0.00297.
gnomAD v4.1: 927 of 1,613,998 alleles (0.057%); highest among the groups gnomAD compares: African/African-American, 1.2%; 9 homozygotes.

Submissions (13):

Labcorp Genetics (formerly Invitae), Labcorp
Classification: Benign for Developmental and epileptic encephalopathy, 12. Last evaluated: 2026-01-27. Review status: criteria provided, single submitter. Criteria: Invitae Variant Classification Sherloc (09022015). Collection method: clinical testing. Allele origin: germline.

ARUP Laboratories, Molecular Genetics and Genomics, ARUP Laboratories
Classification: Likely benign. Last evaluated: 2024-06-06. Review status: criteria provided, single submitter. Criteria: ARUP Molecular Germline Variant Investigation Process 2024. Collection method: clinical testing. Allele origin: germline.

CeGaT Center for Human Genetics Tuebingen
Classification: Benign. Last evaluated: 2023-09-01. Review status: criteria provided, single submitter. Criteria: CeGaT Center For Human Genetics Tuebingen Variant Classification Criteria Version 2. Collection method: clinical testing. Allele origin: germline. Affected: yes. Observed: 2 variant alleles.
Comment: PNKP: BP4, BS1, BS2

Fulgent Genetics
Classification: Likely benign for Charcot-Marie-Tooth disease type 2B2; Microcephaly, seizures, and developmental delay; Ataxia - oculomotor apraxia type 4. Last evaluated: 2021-11-18. Review status: criteria provided, single submitter. Criteria: ACMG Guidelines, 2015. Collection method: clinical testing. Allele origin: unknown.

Athena Diagnostics
Classification: Likely benign. Last evaluated: 2017-06-26. Review status: criteria provided, single submitter. Criteria: Athena Diagnostics Criteria. Collection method: clinical testing. Allele origin: germline.

Clinical Genetics DNA and cytogenetics Diagnostics Lab, Erasmus MC, Erasmus Medical Center
Classification: Benign for Microcephaly, seizures, and developmental delay. Last evaluated: 2017-05-31. Review status: criteria provided, single submitter. Criteria: ACGS Guidelines, 2013. Collection method: clinical testing. Allele origin: germline. Affected: yes. Study: VKGL Data-share Consensus.

Center for Pediatric Genomic Medicine, Children's Mercy Hospital and Clinics
Classification: Likely benign. Last evaluated: 2017-04-27. Review status: criteria provided, single submitter. Criteria: ACMG Guidelines, 2015. Collection method: clinical testing. Allele origin: germline.

Ambry Genetics
Classification: Benign for Inborn genetic diseases. Last evaluated: 2016-07-26. Review status: criteria provided, single submitter. Criteria: Ambry Variant Classification Scheme 2023. Collection method: clinical testing. Allele origin: germline.

Genome Diagnostics Laboratory, University Medical Center Utrecht
Classification: Likely benign for Microcephaly, seizures, and developmental delay. Last evaluated: 2015-05-03. Review status: criteria provided, single submitter. Criteria: ACGS Guidelines, 2013. Collection method: clinical testing. Allele origin: germline. Affected: yes. Study: VKGL Data-share Consensus.

GeneDx
Classification: Benign. Last evaluated: 2014-03-12. Review status: criteria provided, single submitter. Criteria: GeneDx Variant Classification (06012015). Collection method: clinical testing. Allele origin: germline. Affected: yes.
Comment: This variant is considered likely benign or benign based on one or more of the following criteria: it is a conservative change, it occurs at a poorly conserved position in the protein, it is predicted to be benign by multiple in silico algorithms, and/or has population frequency not consistent with disease.

Genetic Services Laboratory, University of Chicago
Classification: Benign. Last evaluated: 2013-04-16. Review status: criteria provided, single submitter. Criteria: ACMG Guidelines, 2007. Collection method: clinical testing. Allele origin: germline. Inheritance: Autosomal recessive inheritance.

Eurofins Ntd Llc (ga)
Classification: Benign. Last evaluated: 2012-12-07. Review status: criteria provided, single submitter. Criteria: EGL Classification Definitions 2015. Collection method: clinical testing. Allele origin: germline. Observed: 1 variant allele, 1 heterozygote.

Breakthrough Genomics
Classification: Likely benign. Review status: criteria provided, single submitter. Criteria: ACMG Guidelines, 2015. Collection method: not provided. Allele origin: germline. Inheritance: Autosomal recessive inheritance. Affected: yes.